The following is an entry in ClinVar:

ClinVar aggregate classification (germline): Uncertain significance (1 of 4 stars; one submission).

Conditions:
Emery-Dreifuss muscular dystrophy 5, autosomal dominant (EDMD5). Also called: EMERY-DREIFUSS MUSCULAR DYSTROPHY 5. Identifiers: Orphanet 261, MedGen C2751805, MONDO:0013072, OMIM 612999.

gnomAD v4.1: 4 of 1,614,154 alleles (0.00025%); highest among the groups gnomAD compares: Non-Finnish European, 0.00034%; no homozygotes.

Submission:

Labcorp Genetics (formerly Invitae), Labcorp
Classification: Uncertain significance for Emery-Dreifuss muscular dystrophy 5, autosomal dominant. Last evaluated: 2024-11-27. Review status: criteria provided, single submitter. Criteria: Invitae Variant Classification Sherloc (09022015). Collection method: clinical testing. Allele origin: germline.
Comment: This sequence change replaces aspartic acid, which is acidic and polar, with histidine, which is basic and polar, at codon 843 of the SYNE2 protein (p.Asp843His). This variant is not present in population databases (gnomAD no frequency). This variant has not been reported in the literature in individuals affected with SYNE2-related conditions. An algorithm developed to predict the effect of missense changes on protein structure and function (PolyPhen-2) suggests that this variant is likely to be disruptive. In summary, the available evidence is currently insufficient to determine the role of this variant in disease. Therefore, it has been classified as a Variant of Uncertain Significance.

NM_182914.3(SYNE2):c.2527G>C (p.Asp843His)

Gene: SYNE2 (spectrin repeat containing nuclear envelope protein 2; plus strand). Cytogenetic location: 14q23.2.
Variant type: single nucleotide variant.
Coding change: c.2527G>C on transcript NM_182914.3 (MANE Select); coding-DNA position 2527, G replaced by C.
Protein change: p.Asp843His; replaces aspartic acid 843 with histidine.
Molecular consequence: missense variant.
Genome position (GRCh38, 1-based): chr14:63,990,996, G>C. VCF-style: chr14-63990996-G-C. GRCh37 (hg19) VCF-style: chr14-64457714-G-C.
Other names: c.2527G>C, p.Asp843His (NM_015180.6); short protein forms D843H.
Identifiers: ClinVar variation 3721623 (VCV003721623.2).